The following is an entry in ClinVar:

ClinVar aggregate classification (germline): Likely benign (1 of 4 stars; one submission).

Submission:

GeneDx
Classification: Likely benign. Last evaluated: 2024-01-29. Review status: criteria provided, single submitter. Criteria: GeneDx Variant Classification Process June 2021. Collection method: clinical testing. Allele origin: germline. Affected: yes.
Comment: Not observed at significant frequency in large population cohorts (gnomAD); In silico analysis supports that this variant does not alter splicing; Has not been previously published as pathogenic or benign to our knowledge

NM_144670.6(A2ML1):c.970+3A>G

Gene: A2ML1 (alpha-2-macroglobulin like 1; plus strand). Cytogenetic location: 12p13.31.
Variant type: single nucleotide variant.
Coding change: c.970+3A>G on transcript NM_144670.6 (MANE Select); 3 bases into the intron after coding-DNA position 970, A replaced by G.
Molecular consequence: intron variant.
Genome position (GRCh38, 1-based): chr12:8,838,453, A>G. VCF-style: chr12-8838453-A-G. GRCh37 (hg19) VCF-style: chr12-8991049-A-G.
Identifiers: ClinVar variation 3384397 (VCV003384397.1).